The following is an entry in ClinVar:

NM_001371986.1(UNC80):c.6303A>T (p.Glu2101Asp)

Gene: UNC80 (unc-80 subunit of NALCN channel complex; plus strand). Cytogenetic location: 2q34.
Variant type: single nucleotide variant.
Coding change: c.6303A>T on transcript NM_001371986.1 (MANE Select); coding-DNA position 6303, A replaced by T.
Protein change: p.Glu2101Asp; replaces glutamic acid 2101 with aspartic acid.
Molecular consequence: missense variant.
Genome position (GRCh38, 1-based): chr2:209,936,873, A>T. VCF-style: chr2-209936873-A-T. GRCh37 (hg19) VCF-style: chr2-210801597-A-T.
Other names: c.6105A>T, p.Glu2035Asp (NM_032504.2); c.6090A>T, p.Glu2030Asp (NM_182587.4); short protein forms E2035D, E2101D, E2030D.
Identifiers: ClinVar variation 2486065 (VCV002486065.5), dbSNP rs2471159786, ClinGen allele CA350770750.
Genomic context (GRCh38, chr2:209,936,873, plus strand): 5'-CATTTATTAAAATTTGTTGCTATTGTTCTAGGAGTGTCTGGAGTTTTTTAATATCCCAGA[A>T]TCCCAGTCAACACATTATTTTCTTATGGATAAACGATGGAACCTTATCCACTACAATAAG-3'
Protein context (NP_001358915.1, residues 2091-2111): KECLEFFNIP[Glu2101Asp]SQSTHYFLMD

ClinVar aggregate classification (germline): Uncertain significance. Review status: criteria provided, multiple submitters, no conflicts (2 of 4 stars). 2 submissions from 2 submitters: Uncertain significance (2). Last evaluated 2023-02-16.

Conditions:
Inborn genetic diseases. Identifiers: MedGen C0950123, MeSH D030342.

Submissions (2):

Ambry Genetics
Classification: Uncertain significance for Inborn genetic diseases. Last evaluated: 2023-02-16. Review status: criteria provided, single submitter. Criteria: Ambry Variant Classification Scheme 2023. Collection method: clinical testing. Allele origin: germline.

Labcorp Genetics (formerly Invitae), Labcorp
Classification: Uncertain significance. Last evaluated: 2022-11-10. Review status: criteria provided, single submitter. Criteria: Invitae Variant Classification Sherloc (09022015). Collection method: clinical testing. Allele origin: germline.
Comment: In summary, the available evidence is currently insufficient to determine the role of this variant in disease. Therefore, it has been classified as a Variant of Uncertain Significance. Advanced modeling of protein sequence and biophysical properties (such as structural, functional, and spatial information, amino acid conservation, physicochemical variation, residue mobility, and thermodynamic stability) performed at Invitae indicates that this missense variant is not expected to disrupt UNC80 protein function. This variant has not been reported in the literature in individuals affected with UNC80-related conditions. This variant is not present in population databases (gnomAD no frequency). This sequence change replaces glutamic acid, which is acidic and polar, with aspartic acid, which is acidic and polar, at codon 2035 of the UNC80 protein (p.Glu2035Asp).